The following is an entry in ClinVar:

ClinVar aggregate classification (germline): Uncertain significance (1 of 4 stars; one submission).

Conditions:
Inborn genetic diseases. Identifiers: MedGen C0950123, MeSH D030342.

Submission:

Ambry Genetics
Classification: Uncertain significance for Inborn genetic diseases. Last evaluated: 2026-02-16. Review status: criteria provided, single submitter. Criteria: Ambry Variant Classification Scheme 2023. Collection method: clinical testing. Allele origin: germline.
Comment: The p.R87G variant (also known as c.259C>G), located in coding exon 1 of the SH2B3 gene, results from a C to G substitution at nucleotide position 259. The arginine at codon 87 is replaced by glycine, an amino acid with dissimilar properties. This amino acid position is conserved. In addition, this alteration is predicted to be tolerated by in silico analysis. Based on the available evidence, the clinical significance of this variant remains unclear.

NM_005475.3(SH2B3):c.259C>G (p.Arg87Gly)

Gene: SH2B3 (SH2B adaptor protein 3; plus strand). Cytogenetic location: 12q24.12.
Variant type: single nucleotide variant.
Coding change: c.259C>G on transcript NM_005475.3 (MANE Select); coding-DNA position 259, C replaced by G.
Protein change: p.Arg87Gly; replaces arginine 87 with glycine.
Molecular consequence: missense variant.
Genome position (GRCh38, 1-based): chr12:111,418,404, C>G. VCF-style: chr12-111418404-C-G. GRCh37 (hg19) VCF-style: chr12-111856208-C-G.
Other names: short protein forms R87G.
Identifiers: ClinVar variation 4630791 (VCV004630791.2).